The following is an entry in ClinVar:

NM_000264.5(PTCH1):c.1465T>G (p.Ser489Ala)

Gene: PTCH1 (patched 1; minus strand). Cytogenetic location: 9q22.32.
Variant type: single nucleotide variant.
Coding change: c.1465T>G on transcript NM_000264.5 (MANE Select); coding-DNA position 1465, T replaced by G.
Protein change: p.Ser489Ala; replaces serine 489 with alanine.
Molecular consequence: missense variant. On other transcripts: non-coding transcript variant (1), intron variant (1).
Genome position (GRCh38, 1-based): chr9:95,477,585, A>C on the plus strand (T>G on the coding strand, the complement: PTCH1 is on the minus strand). VCF-style: chr9-95477585-A-C. GRCh37 (hg19) VCF-style: chr9-98239867-A-C.
Other names: c.1267T>G, p.Ser423Ala (NM_001083602.3); c.1462T>G, p.Ser488Ala (NM_001083603.3); c.1012T>G, p.Ser338Ala (NM_001083604.3, NM_001083605.3, NM_001083606.3 and 1 more transcripts); c.1347+470T>G (NM_001354918.2); short protein forms S423A, S488A, S338A, S489A.
Identifiers: ClinVar variation 1465296 (VCV001465296.8), dbSNP rs2118304226, ClinGen allele CA374118449.

ClinVar aggregate classification (germline): Uncertain significance (1 of 4 stars; one submission).

Conditions:
Gorlin syndrome. Also called: Nevoid Basal Cell Carcinoma Syndrome; Basal cell nevus syndrome. Identifiers: Orphanet 377, MedGen C0004779, MONDO:0007187.

Submission:

Labcorp Genetics (formerly Invitae), Labcorp
Classification: Uncertain significance for Gorlin syndrome. Last evaluated: 2024-01-29. Review status: criteria provided, single submitter. Criteria: Invitae Variant Classification Sherloc (09022015). Collection method: clinical testing. Allele origin: germline.
Comment: This sequence change replaces serine, which is neutral and polar, with alanine, which is neutral and non-polar, at codon 489 of the PTCH1 protein (p.Ser489Ala). This variant is not present in population databases (gnomAD no frequency). This variant has not been reported in the literature in individuals affected with PTCH1-related conditions. ClinVar contains an entry for this variant (Variation ID: 1465296). Advanced modeling of protein sequence and biophysical properties (such as structural, functional, and spatial information, amino acid conservation, physicochemical variation, residue mobility, and thermodynamic stability) performed at Invitae indicates that this missense variant is not expected to disrupt PTCH1 protein function with a negative predictive value of 95%. In summary, the available evidence is currently insufficient to determine the role of this variant in disease. Therefore, it has been classified as a Variant of Uncertain Significance.